The following is an entry in ClinVar:

ClinVar aggregate classification (germline): Pathogenic (1 of 4 stars; one submission).

Conditions:
Ataxia-telangiectasia syndrome (AT). Also called: Ataxia telangiectasia (A-T); ATAXIA-TELANGIECTASIA, COMPLEMENTATION GROUP A; ATAXIA-TELANGIECTASIA, FRESNO VARIANT; Ataxia-telangiectasia; Ataxia-telangiectasia, complementation group E; LOUIS-BAR SYNDROME. Identifiers: Orphanet 100, MedGen C0004135, MONDO:0008840, OMIM 208900.

Submission:

Labcorp Genetics (formerly Invitae), Labcorp
Classification: Pathogenic for Ataxia-telangiectasia syndrome. Last evaluated: 2020-10-08. Review status: criteria provided, single submitter. Criteria: Invitae Variant Classification Sherloc (09022015). Collection method: clinical testing. Allele origin: germline.
Comment: This sequence change creates a premature translational stop signal (p.Tyr1957Thrfs*39) in the ATM gene. It is expected to result in an absent or disrupted protein product. This variant is not present in population databases (ExAC no frequency). This variant has not been reported in the literature in individuals with ATM-related conditions. Algorithms developed to predict the effect of sequence changes on RNA splicing suggest that this variant may create or strengthen a splice site, but this prediction has not been confirmed by published transcriptional studies. Loss-of-function variants in ATM are known to be pathogenic (PMID: 23807571, 25614872). For these reasons, this variant has been classified as Pathogenic.

Literature cited by the submitters: PubMed 23807571; PubMed 25614872.

NM_000051.4(ATM):c.5855_5856insCACAGCTTTACTCACTT (p.Tyr1957fs)

Genes: ATM (ATM serine/threonine kinase; plus strand), C11orf65 (chromosome 11 open reading frame 65; minus strand). Cytogenetic location: 11q22.3.
Variant type: Insertion.
Coding change: c.5855_5856insCACAGCTTTACTCACTT on transcript NM_000051.4 (MANE Select); coding-DNA positions 5855 to 5856, CACAGCTTTACTCACTT inserted.
Protein change: p.Tyr1957fs; shifts the reading frame from tyrosine 1957.
Molecular consequence: frameshift variant. On other transcripts: intron variant (2).
Genome position: GRCh38 VCF-style: chr11-108310245-G-GCTCACTTCACAGCTTTA. GRCh37 (hg19) VCF-style: chr11-108180972-G-GCTCACTTCACAGCTTTA.
Other names: c.5855_5856insCACAGCTTTACTCACTT, p.Tyr1957fs (NM_001351834.2); c.641-1175_641-1174insAAGTGAGTAAAGCTGTG (NM_001330368.2); c.*39-1175_*39-1174insAAGTGAGTAAAGCTGTG (NM_001351110.2); short protein forms Y1957fs.
Identifiers: ClinVar variation 1075369 (VCV001075369.8), dbSNP rs2136016053, ClinGen allele CA2499220669.